The following is an entry in ClinVar:

NM_012280.4(FTSJ1):c.-88+644_-88+645del

Gene: FTSJ1 (FtsJ RNA 2'-O-methyltransferase 1; plus strand). Cytogenetic location: Xp11.23.
Variant type: Microsatellite.
Coding change: c.-88+644_-88+645del on transcript NM_012280.4 (MANE Select); bases 644 to 645 of the intron after 88 bases upstream of the start codon, 2 bases deleted (AG; older notation c.-88+644_-88+645delAG).
Molecular consequence: intron variant.
Genome position (GRCh38, 1-based): chrX:48,477,040-48,477,041, AG deleted; deleting any 2 consecutive bases within chrX:48,477,038-48,477,041 gives the same sequence; the c. name uses the placement nearest the transcript's 3' end. VCF-style (leftmost placement, unchanged base first): chrX-48477037-CAG-C. GRCh37 (hg19) VCF-style: chrX-48335425-CAG-C.
Other names: c.-88+372_-88+373del (NM_001441195.1, NM_177439.3, NM_001441198.1 and 1 more transcripts); c.-88+644_-88+645del (NM_001441196.1, NM_001441197.1, NM_001441199.1); c.-77+644_-77+645del (NM_001282157.2).
Identifiers: ClinVar variation 3900670 (VCV003900670.1).

ClinVar aggregate classification (germline): Likely pathogenic (0 of 4 stars; one submission).

Conditions:
Intellectual developmental disorder, X-linked 9. Also called: MENTAL RETARDATION, X-LINKED 44; Intellectual disability, X-linked 9. Identifiers: Orphanet 777, MedGen C0796215, MONDO:0010660, OMIM 309549.

Submission:

Department of Rehabilitation, Anhui Provincial Children's Hospital
Classification: Likely pathogenic for Intellectual developmental disorder, X-linked 9. Last evaluated: 2023-09-11. Review status: no assertion criteria provided. Collection method: clinical testing. Allele origin: de novo. Affected: yes.
Comment: This variant occurs in a functionally important domain of a non-coding region. It is predicted to have a deleterious effect on the gene or its product. According to public databases, mutations in the FTSJ1 gene (OMIM:300499) are associated with Intellectual developmental disorder, X-linked 9 (OMIM:309549).